The following is an entry in ClinVar:

ClinVar aggregate classification (germline): Likely pathogenic (1 of 4 stars; one submission).

Conditions:
Intellectual developmental disorder, autosomal dominant 55, with seizures. Also called: MENTAL RETARDATION, AUTOSOMAL DOMINANT 55, WITH SEIZURES; Intellectual disability, autosomal dominant 55, with seizures. Identifiers: MedGen C4693371, MONDO:0030921, OMIM 617831.

Submission:

Institute of Human Genetics, University of Leipzig Medical Center
Classification: Likely pathogenic for Intellectual developmental disorder, autosomal dominant 55, with seizures. Last evaluated: 2024-09-19. Review status: criteria provided, single submitter. Criteria: ACMG Guidelines, 2015. Collection method: clinical testing. Allele origin: de novo. Inheritance: Autosomal dominant inheritance. Affected: yes.
Comment: Criteria applied: PVS1_STR(RNA),PS2_MOD,PM2; confirmed by RNA analysis: loss of exon 4: r.692_791del

NM_138459.5(NUS1):c.791+4A>C

Gene: NUS1 (NUS1 dehydrodolichyl diphosphate synthase subunit; plus strand). Cytogenetic location: 6q22.1.
Variant type: single nucleotide variant.
Coding change: c.791+4A>C on transcript NM_138459.5 (MANE Select); 4 bases into the intron after coding-DNA position 791, A replaced by C.
Molecular consequence: intron variant.
Genome position (GRCh38, 1-based): chr6:117,703,708, A>C. VCF-style: chr6-117703708-A-C. GRCh37 (hg19) VCF-style: chr6-118024871-A-C.
Identifiers: ClinVar variation 3359086 (VCV003359086.3).
Genomic context (GRCh38, chr6:117,703,708, plus strand): 5'-TCCTGTGGACAGCACATTAGGCTTTCTTCCCTGGCACATCAGATTGACTGAGATTGTGTA[A>C]GTAATTAAAAGCGTACTGACTTTGTTTAGATTCAGCAAGTGTTTCTTGAGTTCAGCACTG-3'